The following is an entry in ClinVar:

NM_000038.6(APC):c.7269A>G (p.Lys2423=)

Gene: APC (APC regulator of Wnt signaling pathway; plus strand). Cytogenetic location: 5q22.2.
Variant type: single nucleotide variant.
Coding change: c.7269A>G on transcript NM_000038.6 (MANE Select); coding-DNA position 7269, A replaced by G.
Protein change: p.Lys2423=; no amino-acid change (lysine 2423 retained).
Molecular consequence: synonymous variant.
Genome position (GRCh38, 1-based): chr5:112,842,863, A>G. VCF-style: chr5-112842863-A-G. GRCh37 (hg19) VCF-style: chr5-112178560-A-G.
Other names: c.7269A>G, p.Lys2423= (NM_001127510.3, NM_001354895.2); c.7215A>G, p.Lys2405= (NM_001127511.3); c.7323A>G, p.Lys2441= (NM_001354896.2); c.7299A>G, p.Lys2433= (NM_001354897.2); c.7194A>G, p.Lys2398= (NM_001354898.2); c.7185A>G, p.Lys2395= (NM_001354899.2); c.7146A>G, p.Lys2382= (NM_001354900.2); c.7092A>G, p.Lys2364= (NM_001354901.2); and 5 more.
Identifiers: ClinVar variation 187294 (VCV000187294.18), dbSNP rs786203620, ClinGen allele CA012972.

ClinVar aggregate classification (germline): Benign/Likely benign. Review status: criteria provided, multiple submitters, no conflicts (2 of 4 stars). 5 submissions from 5 submitters: Benign (1); Likely benign (4). Last evaluated 2025-10-29.

Conditions:
Hereditary cancer-predisposing syndrome. Also called: Neoplastic Syndromes, Hereditary; Tumor predisposition; Hereditary Cancer Syndrome; Hereditary neoplastic syndrome. Identifiers: Orphanet 140162, MedGen C0027672, MeSH D009386, MONDO:0015356.
Familial adenomatous polyposis 1 (FAP1). Also called: FAMILIAL ADENOMATOUS POLYPOSIS 1, ATTENUATED; POLYPOSIS, ADENOMATOUS INTESTINAL. Identifiers: MedGen C2713442, MONDO:0021056, OMIM 175100. Disease mechanism: loss of function.

Allele frequency attached by ClinVar (database versions not stated): gnomAD exomes 0.00001.
gnomAD v4.1: 4 of 1,614,014 alleles (0.00025%); highest among the groups gnomAD compares: Non-Finnish European, 0.00034%; no homozygotes.

Submissions (5):

Labcorp Genetics (formerly Invitae), Labcorp
Classification: Likely benign for Familial adenomatous polyposis 1. Last evaluated: 2025-10-29. Review status: criteria provided, single submitter. Criteria: Invitae Variant Classification Sherloc (09022015). Collection method: clinical testing. Allele origin: germline.

Myriad Genetics, Inc.
Classification: Benign for Familial adenomatous polyposis 1. Last evaluated: 2024-04-09. Review status: criteria provided, single submitter. Criteria: Myriad Autosomal Dominant, Autosomal Recessive and X-Linked Classification Criteria (2023). Collection method: clinical testing. Allele origin: unknown.
Comment: This variant is considered benign. This variant is a silent/synonymous amino acid change and it is not expected to impact splicing.

Sema4
Classification: Likely benign for Hereditary cancer-predisposing syndrome. Last evaluated: 2021-06-09. Review status: criteria provided, single submitter. Criteria: Sema4 Curation Guidelines. Collection method: curation. Allele origin: germline.

GeneDx
Classification: Likely benign. Last evaluated: 2016-12-02. Review status: criteria provided, single submitter. Criteria: GeneDx Variant Classification (06012015). Collection method: clinical testing. Allele origin: germline. Affected: yes.
Comment: This variant is considered likely benign or benign based on one or more of the following criteria: it is a conservative change, it occurs at a poorly conserved position in the protein, it is predicted to be benign by multiple in silico algorithms, and/or has population frequency not consistent with disease.

Ambry Genetics
Classification: Likely benign for Hereditary cancer-predisposing syndrome. Last evaluated: 2014-12-01. Review status: criteria provided, single submitter. Criteria: Ambry Variant Classification Scheme 2023. Collection method: clinical testing. Allele origin: germline.